The following is an entry in ClinVar:

ClinVar aggregate classification (germline): Benign/Likely benign. Review status: criteria provided, multiple submitters, no conflicts (2 of 4 stars). 5 submissions from 5 submitters: Benign (2); Likely benign (2). 1 of the submissions does not count toward it. Last evaluated 2026-01-12.

Conditions:
GNAT1-related disorder. Also called: GNAT1-related condition.
Congenital stationary night blindness autosomal dominant 3. Also called: NIGHT BLINDNESS, CONGENITAL STATIONARY, NOUGARET TYPE. Identifiers: Orphanet 215, MedGen C1864870, MONDO:0012497, OMIM 610444.

Allele frequency attached by ClinVar (database versions not stated): TOPMed 0.00021; ESP Exome Variant Server 0.00038; 1000 Genomes Project 30x 0.00047; 1000 Genomes Project 0.00060; gnomAD exomes 0.00061 and 0.00118; ExAC 0.00124; gnomAD 0.00134 and 0.00140.
gnomAD v4.1: 1,085 of 1,612,462 alleles (0.067%); highest among the groups gnomAD compares: Non-Finnish European, 0.038%; 4 homozygotes.

Submissions (5):

Labcorp Genetics (formerly Invitae), Labcorp
Classification: Benign. Last evaluated: 2026-01-12. Review status: criteria provided, single submitter. Criteria: Invitae Variant Classification Sherloc (09022015). Collection method: clinical testing. Allele origin: germline.

Blueprint Genetics
Classification: Likely benign. Last evaluated: 2024-11-20. Review status: criteria provided, single submitter. Criteria: ACMG Guidelines, 2015. Collection method: clinical testing. Allele origin: germline.

CeGaT Center for Human Genetics Tuebingen
Classification: Likely benign. Last evaluated: 2022-05-01. Review status: criteria provided, single submitter. Criteria: CeGaT Center For Human Genetics Tuebingen Variant Classification Criteria Version 2. Collection method: clinical testing. Allele origin: germline. Affected: yes. Observed: 1 variant allele.
Comment: GNAT1: BP4, BP7

Illumina Laboratory Services, Illumina
Classification: Benign for Congenital stationary night blindness autosomal dominant 3. Last evaluated: 2018-01-13. Review status: criteria provided, single submitter. Criteria: ICSL Variant Classification Criteria 13 December 2019. Collection method: clinical testing. Allele origin: germline.
Comment: This variant was observed in the ICSL laboratory as part of a predisposition screen in an ostensibly healthy population. It had not been previously curated by ICSL or reported in the Human Gene Mutation Database (HGMD: prior to June 1st, 2018), and was therefore a candidate for classification through an automated scoring system. Utilizing variant allele frequency, disease prevalence and penetrance estimates, and inheritance mode, an automated score was calculated to assess if this variant is too frequent to cause the disease. Based on the score and internal cut-off values, a variant classified as benign is not then subjected to further curation. The score for this variant resulted in a classification of benign for this disease.

PreventionGenetics, part of Exact Sciences
Classification: Benign for GNAT1-related condition. Last evaluated: 2019-10-28. Review status: no assertion criteria provided. Collection method: clinical testing. Allele origin: germline. Not counted in ClinVar's aggregate classification.
Comment: This variant is classified as benign based on ACMG/AMP sequence variant interpretation guidelines (Richards et al. 2015 PMID: 25741868, with internal and published modifications).

NM_144499.3(GNAT1):c.411G>A (p.Glu137=)

Gene: GNAT1 (G protein subunit alpha transducin 1; plus strand). Cytogenetic location: 3p21.31.
Variant type: single nucleotide variant.
Coding change: c.411G>A on transcript NM_144499.3 (MANE Select); coding-DNA position 411, G replaced by A.
Protein change: p.Glu137=; no amino-acid change (glutamic acid 137 retained).
Molecular consequence: synonymous variant.
Genome position (GRCh38, 1-based): chr3:50,193,625, G>A. VCF-style: chr3-50193625-G-A. GRCh37 (hg19) VCF-style: chr3-50231058-G-A.
Other names: c.411G>A, p.Glu137= (NM_000172.4).
Identifiers: ClinVar variation 903401 (VCV000903401.37), dbSNP rs147238978, ClinGen allele CA2412557.